The following is an entry in ClinVar:

NM_198123.2(CSMD3):c.3059G>A (p.Arg1020His)

Gene: CSMD3 (CUB and Sushi multiple domains 3; minus strand). Cytogenetic location: 8q23.3.
Variant type: single nucleotide variant.
Coding change: c.3059G>A on transcript NM_198123.2 (MANE Select); coding-DNA position 3059, G replaced by A.
Protein change: p.Arg1020His; replaces arginine 1020 with histidine.
Molecular consequence: missense variant.
Genome position (GRCh38, 1-based): chr8:112,650,295, C>T on the plus strand (G>A on the coding strand, the complement: CSMD3 is on the minus strand). VCF-style: chr8-112650295-C-T. GRCh37 (hg19) VCF-style: chr8-113662524-C-T.
Other names: c.2669G>A, p.Arg890His (NM_001363185.1); c.2747G>A, p.Arg916His (NM_052900.3); c.2939G>A, p.Arg980His (NM_198124.2); short protein forms R980H, R1020H, R890H, R916H.
Identifiers: ClinVar variation 789771 (VCV000789771.6), dbSNP rs143076552, ClinGen allele CA4850533.

ClinVar aggregate classification (germline): Benign. Review status: criteria provided, multiple submitters, no conflicts (2 of 4 stars). 3 submissions from 3 submitters: Benign (2). 1 of the submissions does not count toward it. Last evaluated 2018-06-06.

Conditions:
CSMD3-related disorder. Also called: CSMD3-related condition.

Allele frequency attached by ClinVar (database versions not stated): gnomAD exomes 0.00033 and 0.00074; ExAC 0.00089; gnomAD 0.00264 and 0.00282; TOPMed 0.00276; 1000 Genomes Project 0.00339; 1000 Genomes Project 30x 0.00375; ESP Exome Variant Server 0.00469.
gnomAD v4.1: 893 of 1,613,428 alleles (0.055%); highest among the groups gnomAD compares: African/African-American, 0.91%; 2 homozygotes.

Submissions (3):

Labcorp Genetics (formerly Invitae), Labcorp
Classification: Benign. Last evaluated: 2018-06-06. Review status: criteria provided, single submitter. Criteria: Invitae Variant Classification Sherloc (09022015). Collection method: clinical testing. Allele origin: germline.

Breakthrough Genomics
Classification: Benign. Review status: criteria provided, single submitter. Criteria: ACMG Guidelines, 2015. Collection method: not provided. Allele origin: germline. Inheritance: Unknown mechanism. Affected: yes.

PreventionGenetics, part of Exact Sciences
Classification: Benign for CSMD3-related condition. Last evaluated: 2019-10-28. Review status: no assertion criteria provided. Collection method: clinical testing. Allele origin: germline. Not counted in ClinVar's aggregate classification.
Comment: This variant is classified as benign based on ACMG/AMP sequence variant interpretation guidelines (Richards et al. 2015 PMID: 25741868, with internal and published modifications).